The following is an entry in ClinVar:

NM_001267550.2(TTN):c.99865+1G>T

Genes: TTN (titin; minus strand), TTN-AS1 (TTN antisense RNA 1; plus strand), LOC126806420 (BRD4-independent group 4 enhancer GRCh37_chr2:179401104-179402303; plus strand). Cytogenetic location: 2q31.2.
Variant type: single nucleotide variant.
Coding change: c.99865+1G>T on transcript NM_001267550.2 (MANE Select); the canonical splice donor site of the intron after coding-DNA position 99865, G replaced by T.
Molecular consequence: splice donor variant.
Genome position (GRCh38, 1-based): chr2:178,537,341, C>A on the plus strand (G>T on the coding strand, the complement: TTN is on the minus strand). VCF-style: chr2-178537341-C-A. GRCh37 (hg19) VCF-style: chr2-179402068-C-A.
Other names: c.72670+1G>T (NM_003319.4); c.73246+1G>T (NM_133437.4); c.73045+1G>T (NM_133432.3); c.92161+1G>T (NM_133378.4); c.94942+1G>T (NM_001256850.1).
Identifiers: ClinVar variation 2948585 (VCV002948585.4), dbSNP rs2468668042, ClinGen allele CA349427281.

ClinVar aggregate classification (germline): Likely pathogenic. Review status: criteria provided, multiple submitters, no conflicts (2 of 4 stars). 2 submissions from 2 submitters: Likely pathogenic (2). Last evaluated 2024-08-20.

Conditions:
Dilated cardiomyopathy 1G (CMD1G). Identifiers: Orphanet 154, MedGen C1858763, MONDO:0011400, OMIM 604145.
Autosomal recessive limb-girdle muscular dystrophy type 2J (LGMDR10). Also called: Limb-girdle muscular dystrophy, type 2J; MUSCULAR DYSTROPHY, LIMB-GIRDLE, AUTOSOMAL RECESSIVE 10. Identifiers: Orphanet 140922, MedGen C1837342, MONDO:0012127, OMIM 608807.

Allele frequency attached by ClinVar (database versions not stated): gnomAD exomes below 0.00001.
gnomAD v4.1: 1 of 1,534,958 alleles (0.000065%); highest among the groups gnomAD compares: South Asian, 0.0013%; no homozygotes.

Submissions (2):

Revvity Omics, Revvity
Classification: Likely pathogenic. Last evaluated: 2024-08-20. Review status: criteria provided, single submitter. Criteria: ACMG Guidelines, 2015. Collection method: clinical testing. Allele origin: germline.

Labcorp Genetics (formerly Invitae), Labcorp
Classification: Likely pathogenic for Dilated cardiomyopathy 1G; Autosomal recessive limb-girdle muscular dystrophy type 2J. Last evaluated: 2023-06-05. Review status: criteria provided, single submitter. Criteria: Invitae Variant Classification Sherloc (09022015). Collection method: clinical testing. Allele origin: germline.
Comment: This sequence change affects a donor splice site in intron 355 of the TTN gene. It is expected to disrupt RNA splicing and likely results in a truncated or disrupted TTN protein. This variant is not present in population databases (gnomAD no frequency). This variant has not been reported in the literature in individuals affected with TTN-related conditions. This variant is located in the A band of TTN (PMID: 25589632). Truncating variants in this region are significantly overrepresented in patients affected with dilated cardiomyopathy (PMID: 25589632). Truncating variants in this region have also been reported in individuals affected with autosomal recessive centronuclear myopathy (PMID: 23975875). In summary, the currently available evidence indicates that the variant is pathogenic, but additional data are needed to prove that conclusively. Therefore, this variant has been classified as Likely Pathogenic. Algorithms developed to predict the effect of sequence changes on RNA splicing suggest that this variant may disrupt the consensus splice site.

Literature cited by the submitters: PubMed 25589632 (cited by Labcorp Genetics (formerly Invitae), Labcorp); PubMed 23975875 (cited by Labcorp Genetics (formerly Invitae), Labcorp).